The following is an entry in ClinVar:

ClinVar aggregate classification (germline): Benign/Likely benign. Review status: criteria provided, multiple submitters, no conflicts (2 of 4 stars). 5 submissions from 5 submitters: Benign (1); Likely benign (4). Last evaluated 2026-08-04.

Conditions:
Hereditary cancer-predisposing syndrome. Also called: Hereditary neoplastic syndrome; Neoplastic Syndromes, Hereditary; Tumor predisposition; Hereditary Cancer Syndrome. Identifiers: Orphanet 140162, MedGen C0027672, MeSH D009386, MONDO:0015356.
Hereditary pheochromocytoma and paraganglioma. Also called: Hereditary pheochromocytoma-paraganglioma; Hereditary paragangliomas and pheochromocytomas; Hereditary Paraganglioma-Pheochromocytoma Syndromes. Identifiers: Orphanet 29072, MedGen C4274332, MONDO:0017366.
Pheochromocytoma/paraganglioma syndrome 2. Also called: SDHAF2-Related Hereditary Paraganglioma-Pheochromocytoma Syndrome (Paragangliomas 2); SDHAF2-Related Hereditary Paraganglioma-Pheochromocytoma Syndrome; GLOMUS TUMORS, FAMILIAL, 2; Paragangliomas 2. Identifiers: Orphanet 29072, MedGen C1866552, MONDO:0011121, OMIM 601650.

Allele frequency attached by ClinVar (database versions not stated): TOPMed below 0.00001.

Submissions (5):

Myriad Genetics, Inc.
Classification: Benign for Pheochromocytoma/paraganglioma syndrome 2. Last evaluated: 2026-08-04. Review status: criteria provided, single submitter. Criteria: Myriad Autosomal Dominant, Autosomal Recessive and X-Linked Classification Criteria (2023). Collection method: clinical testing. Allele origin: unknown.
Comment: This variant is considered benign. This variant is a silent/synonymous amino acid change and it is not expected to impact splicing.

Labcorp Genetics (formerly Invitae), Labcorp
Classification: Likely benign for Hereditary pheochromocytoma and paraganglioma. Last evaluated: 2025-10-09. Review status: criteria provided, single submitter. Criteria: Invitae Variant Classification Sherloc (09022015). Collection method: clinical testing. Allele origin: germline.

Color Diagnostics, LLC DBA Color Health
Classification: Likely benign for Hereditary pheochromocytoma and paraganglioma. Last evaluated: 2023-10-11. Review status: criteria provided, single submitter. Criteria: ACMG Guidelines, 2015. Collection method: clinical testing. Allele origin: germline.

Blueprint Genetics
Classification: Likely benign. Last evaluated: 2022-11-15. Review status: criteria provided, single submitter. Criteria: ACMG Guidelines, 2015. Collection method: clinical testing. Allele origin: germline.

Ambry Genetics
Classification: Likely benign for Hereditary cancer-predisposing syndrome. Last evaluated: 2015-11-05. Review status: criteria provided, single submitter. Criteria: Ambry Variant Classification Scheme 2023. Collection method: clinical testing. Allele origin: germline.

NM_017841.4(SDHAF2):c.18G>A (p.Val6=)

Gene: SDHAF2 (succinate dehydrogenase complex assembly factor 2; plus strand). Cytogenetic location: 11q12.2.
Variant type: single nucleotide variant.
Coding change: c.18G>A on transcript NM_017841.4 (MANE Select); coding-DNA position 18, G replaced by A.
Protein change: p.Val6=; no amino-acid change (valine 6 retained).
Molecular consequence: synonymous variant.
Genome position (GRCh38, 1-based): chr11:61,430,164, G>A. VCF-style: chr11-61430164-G-A. GRCh37 (hg19) VCF-style: chr11-61197636-G-A.
Identifiers: ClinVar variation 700300 (VCV000700300.15), dbSNP rs1590759621, ClinGen allele CA474519167.